The following is an entry in ClinVar:

NM_000051.4(ATM):c.1642A>G (p.Thr548Ala)

Gene: ATM (ATM serine/threonine kinase; plus strand). Cytogenetic location: 11q22.3.
Variant type: single nucleotide variant.
Coding change: c.1642A>G on transcript NM_000051.4 (MANE Select); coding-DNA position 1642, A replaced by G.
Protein change: p.Thr548Ala; replaces threonine 548 with alanine.
Molecular consequence: missense variant.
Genome position (GRCh38, 1-based): chr11:108,251,871, A>G. VCF-style: chr11-108251871-A-G. GRCh37 (hg19) VCF-style: chr11-108122598-A-G.
Other names: c.1642A>G, p.Thr548Ala (NM_001351834.2); short protein forms T548A.
Identifiers: ClinVar variation 236676 (VCV000236676.22), dbSNP rs878853486, ClinGen allele CA10582796.

ClinVar aggregate classification (germline): Conflicting classifications of pathogenicity. Review status: criteria provided, conflicting classifications (1 of 4 stars). 6 submissions from 6 submitters: Uncertain significance (4); Likely benign (1). 1 of the submissions does not count toward it. Last evaluated 2024-03-21.

Conditions:
Breast and/or ovarian cancer. Identifiers: MedGen CN221562.
Hereditary cancer-predisposing syndrome. Also called: Tumor predisposition; Hereditary Cancer Syndrome; Hereditary neoplastic syndrome; Neoplastic Syndromes, Hereditary. Identifiers: Orphanet 140162, MedGen C0027672, MeSH D009386, MONDO:0015356.
Ataxia-telangiectasia syndrome (AT). Also called: Ataxia telangiectasia (A-T); LOUIS-BAR SYNDROME; Cerebello-oculocutaneous telangiectasia; Immunodeficiency with ataxia telangiectasia; ATAXIA-TELANGIECTASIA, COMPLEMENTATION GROUP A; ATAXIA-TELANGIECTASIA, FRESNO VARIANT. Identifiers: Orphanet 100, MedGen C0004135, MONDO:0008840, OMIM 208900.

Allele frequency attached by ClinVar (database versions not stated): gnomAD exomes below 0.00001.
gnomAD v4.1: 6 of 1,613,910 alleles (0.00037%); highest among the groups gnomAD compares: Non-Finnish European, 0.00042%; no homozygotes.

Submissions (6):

Ambry Genetics
Classification: Likely benign for Hereditary cancer-predisposing syndrome. Last evaluated: 2024-03-21. Review status: criteria provided, single submitter. Criteria: Ambry Variant Classification Scheme 2023. Collection method: clinical testing. Allele origin: germline.

Labcorp Genetics (formerly Invitae), Labcorp
Classification: Uncertain significance for Ataxia-telangiectasia syndrome. Last evaluated: 2024-03-08. Review status: criteria provided, single submitter. Criteria: Invitae Variant Classification Sherloc (09022015). Collection method: clinical testing. Allele origin: germline.
Comment: This sequence change replaces threonine, which is neutral and polar, with alanine, which is neutral and non-polar, at codon 548 of the ATM protein (p.Thr548Ala). This variant is not present in population databases (gnomAD no frequency). This variant has not been reported in the literature in individuals affected with ATM-related conditions. ClinVar contains an entry for this variant (Variation ID: 236676). An algorithm developed to predict the effect of missense changes on protein structure and function (PolyPhen-2) suggests that this variant is likely to be tolerated. In summary, the available evidence is currently insufficient to determine the role of this variant in disease. Therefore, it has been classified as a Variant of Uncertain Significance.

GeneDx
Classification: Uncertain significance. Last evaluated: 2020-11-19. Review status: criteria provided, single submitter. Criteria: GeneDx Variant Classification Process June 2021. Collection method: clinical testing. Allele origin: germline. Affected: yes.
Comment: Not observed in large population cohorts (Lek 2016); In silico analysis supports that this missense variant does not alter protein structure/function; Observed in a cohort of breast cancer cases and was absent from cancer free controls (Momozawa 2018); This variant is associated with the following publications: (PMID: 30287823)

Women's Health and Genetics/Laboratory Corporation of America, LabCorp
Classification: Uncertain significance. Last evaluated: 2020-04-17. Review status: criteria provided, single submitter. Criteria: LabCorp Variant Classification Summary - May 2015. Collection method: clinical testing. Allele origin: germline.
Comment: Variant summary: ATM c.1642A>G (p.Thr548Ala) results in a non-conservative amino acid change in the encoded protein sequence. Four of five in-silico tools predict a benign effect of the variant on protein function. The variant was absent in 273796 control chromosomes. The available data on variant occurrences in the general population are insufficient to allow any conclusion about variant significance. c.1642A>G has been reported in the literature in at least one individual affected with Breast Cancer (Momozawa_2018). This report does not provide unequivocal conclusions about association of the variant with Breast Cancer. To our knowledge, no experimental evidence demonstrating an impact on protein function has been reported. Two clinical diagnostic laboratories have submitted clinical-significance assessments for this variant to ClinVar after 2014 without evidence for independent evaluation. Both laboratories classified the variant as uncertain significance. Based on the evidence outlined above, the variant was classified as uncertain significance.

CHEO Genetics Diagnostic Laboratory, Children's Hospital of Eastern Ontario
Classification: Uncertain significance for Breast and/or ovarian cancer. Last evaluated: 2019-09-09. Review status: criteria provided, single submitter. Criteria: ACMG Guidelines, 2015. Collection method: clinical testing. Allele origin: germline.

Natera, Inc.
Classification: Uncertain significance for Ataxia-telangiectasia. Last evaluated: 2020-09-09. Review status: no assertion criteria provided. Collection method: clinical testing. Allele origin: germline. Not counted in ClinVar's aggregate classification.

Literature cited by the submitters: PubMed 30287823 (cited by Ambry Genetics and Women's Health and Genetics/Laboratory Corporation of America, LabCorp).